The following is an entry in ClinVar:

NM_001378418.1(TCF20):c.4996G>A (p.Gly1666Ser)

Gene: TCF20 (transcription factor 20; minus strand). Cytogenetic location: 22q13.2.
Variant type: single nucleotide variant.
Coding change: c.4996G>A on transcript NM_001378418.1 (MANE Select); coding-DNA position 4996, G replaced by A.
Protein change: p.Gly1666Ser; replaces glycine 1666 with serine.
Molecular consequence: missense variant.
Genome position (GRCh38, 1-based): chr22:42,210,310, C>T on the plus strand (G>A on the coding strand, the complement: TCF20 is on the minus strand). VCF-style: chr22-42210310-C-T. GRCh37 (hg19) VCF-style: chr22-42606316-C-T.
Other names: c.4996G>A, p.Gly1666Ser (NM_005650.4, NM_181492.3); short protein forms G1666S.
Identifiers: ClinVar variation 4696761 (VCV004696761.1).

ClinVar aggregate classification (germline): Uncertain significance (1 of 4 stars; one submission).

gnomAD v4.1: 7 of 1,614,032 alleles (0.00043%); highest among the groups gnomAD compares: Non-Finnish European, 0.00059%; no homozygotes.

Submission:

Labcorp Genetics (formerly Invitae), Labcorp
Classification: Uncertain significance. Last evaluated: 2025-07-30. Review status: criteria provided, single submitter. Criteria: Invitae Variant Classification Sherloc (09022015). Collection method: clinical testing. Allele origin: germline.
Comment: This sequence change replaces glycine, which is neutral and non-polar, with serine, which is neutral and polar, at codon 1666 of the TCF20 protein (p.Gly1666Ser). This variant is not present in population databases (gnomAD no frequency). This variant has not been reported in the literature in individuals affected with TCF20-related conditions. An algorithm developed to predict the effect of missense changes on protein structure and function (PolyPhen-2) suggests that this variant is likely to be disruptive. In summary, the available evidence is currently insufficient to determine the role of this variant in disease. Therefore, it has been classified as a Variant of Uncertain Significance.